The following is an entry in ClinVar:

ClinVar aggregate classification (germline): Benign. Review status: criteria provided, multiple submitters, no conflicts (2 of 4 stars). 2 submissions from 2 submitters: Benign (2). Last evaluated 2025-06-16.

Allele frequency attached by ClinVar (database versions not stated): TOPMed 0.00001; gnomAD 0.00003 and 0.00005; 1000 Genomes Project 30x 0.00016; 1000 Genomes Project 0.00040.
gnomAD v4.1: 211 of 1,613,332 alleles (0.013%); highest among the groups gnomAD compares: South Asian, 0.17%; 2 homozygotes.

Submissions (2):

Labcorp Genetics (formerly Invitae), Labcorp
Classification: Benign. Last evaluated: 2025-06-16. Review status: criteria provided, single submitter. Criteria: Invitae Variant Classification Sherloc (09022015). Collection method: clinical testing. Allele origin: germline.

CeGaT Center for Human Genetics Tuebingen
Classification: Benign. Last evaluated: 2022-06-01. Review status: criteria provided, single submitter. Criteria: CeGaT Center For Human Genetics Tuebingen Variant Classification Criteria Version 2. Collection method: clinical testing. Allele origin: germline. Affected: yes. Observed: 1 variant allele.
Comment: PPP2R1A: BS1, BS2

NM_014225.6(PPP2R1A):c.411C>T (p.Gly137=)

Gene: PPP2R1A (protein phosphatase 2 scaffold subunit Aalpha; plus strand). Cytogenetic location: 19q13.41.
Variant type: single nucleotide variant.
Coding change: c.411C>T on transcript NM_014225.6 (MANE Select); coding-DNA position 411, C replaced by T.
Protein change: p.Gly137=; no amino-acid change (glycine 137 retained).
Molecular consequence: synonymous variant. On other transcripts: 5 prime UTR variant (1), non-coding transcript variant (1).
Genome position (GRCh38, 1-based): chr19:52,211,400, C>T. VCF-style: chr19-52211400-C-T. GRCh37 (hg19) VCF-style: chr19-52714653-C-T.
Other names: c.-127C>T (NM_001363656.2).
Identifiers: ClinVar variation 1645001 (VCV001645001.38), dbSNP rs571582129, ClinGen allele CA9621329.